The following is an entry in ClinVar:

NM_194248.3(OTOF):c.409G>T (p.Glu137Ter)

Gene: OTOF (otoferlin; minus strand). Cytogenetic location: 2p23.3.
Variant type: single nucleotide variant.
Coding change: c.409G>T on transcript NM_194248.3 (MANE Select); coding-DNA position 409, G replaced by T.
Protein change: p.Glu137Ter; replaces glutamic acid 137 with a stop codon.
Molecular consequence: nonsense.
Genome position (GRCh38, 1-based): chr2:26,516,518, C>A on the plus strand (G>T on the coding strand, the complement: OTOF is on the minus strand). VCF-style: chr2-26516518-C-A. GRCh37 (hg19) VCF-style: chr2-26739386-C-A.
Other names: c.409G>T, p.Glu137Ter (NM_001287489.2); short protein forms E137*.
Identifiers: ClinVar variation 4797712 (VCV004797712.1).
Genomic context (GRCh38, chr2:26,516,518, plus strand): 5'-GGGAGCCTGGGAGCAGTCCATCCGTCTCTTGGCTGTCCTTCTCTTCCTCTTGAAGAGACT[C>A]ATCTCCCAGGAAGTCCCCATCGTCCCAGGAGCCCACTGTGCCGTCAGTGGCCTGATACCG-3'

ClinVar aggregate classification (germline): Pathogenic (1 of 4 stars; one submission).

Submission:

Labcorp Genetics (formerly Invitae), Labcorp
Classification: Pathogenic. Last evaluated: 2026-01-25. Review status: criteria provided, single submitter. Criteria: Invitae Variant Classification Sherloc (09022015). Collection method: clinical testing. Allele origin: germline.
Comment: This sequence change creates a premature translational stop signal (p.Glu137*) in the OTOF gene. It is expected to result in an absent or disrupted protein product. Loss-of-function variants in OTOF are known to be pathogenic (PMID: 18381613, 19250381, 22575033). This variant is not present in population databases (gnomAD no frequency). This variant has not been reported in the literature in individuals affected with OTOF-related conditions. For these reasons, this variant has been classified as Pathogenic.

Literature cited by the submitters: PubMed 18381613; PubMed 19250381; PubMed 22575033.